The following is an entry in ClinVar:

NM_002292.4(LAMB2):c.752_756dup (p.His253fs)

Gene: LAMB2 (laminin subunit beta 2; minus strand). Cytogenetic location: 3p21.31.
Variant type: Duplication.
Coding change: c.752_756dup on transcript NM_002292.4 (MANE Select); coding-DNA positions 752 to 756, 5 bases duplicated (GTCTA; older notation c.752_756dupGTCTA).
Protein change: p.His253fs; shifts the reading frame from histidine 253.
Molecular consequence: frameshift variant.
Genome position (GRCh38, 1-based): chr3:49,131,109-49,131,113, TAGAC duplicated on the plus strand (GTCTA on the coding strand, the reverse complement: LAMB2 is on the minus strand). VCF-style (leftmost placement, unchanged base first): chr3-49131108-G-GTAGAC. GRCh37 (hg19) VCF-style: chr3-49168541-G-GTAGAC.
Other names: short protein forms H253fs.
Identifiers: ClinVar variation 1998213 (VCV001998213.4), dbSNP rs2472555978, ClinGen allele CA2580070007.

ClinVar aggregate classification (germline): Pathogenic (1 of 4 stars; one submission).

Conditions:
Pierson syndrome. Also called: MICROCORIA-CONGENITAL NEPHROTIC SYNDROME. Identifiers: Orphanet 2670, MedGen C1836876, MONDO:0012184, OMIM 609049.
LAMB2-related infantile-onset nephrotic syndrome. Also called: Nephrotic Syndrome, type 5; NEPHROTIC SYNDROME, TYPE 5, WITHOUT OCULAR ABNORMALITIES; NEPHROTIC SYNDROME, TYPE 5, WITH OCULAR ABNORMALITIES. Identifiers: Orphanet 306507, MedGen C3280113, MONDO:0013621, OMIM 614199.

Submission:

Labcorp Genetics (formerly Invitae), Labcorp
Classification: Pathogenic for LAMB2-related infantile-onset nephrotic syndrome; Pierson syndrome. Last evaluated: 2022-06-24. Review status: criteria provided, single submitter. Criteria: Invitae Variant Classification Sherloc (09022015). Collection method: clinical testing. Allele origin: germline.
Comment: This sequence change creates a premature translational stop signal (p.His253Valfs*119) in the LAMB2 gene. It is expected to result in an absent or disrupted protein product. Loss-of-function variants in LAMB2 are known to be pathogenic (PMID: 15367484). This variant is not present in population databases (gnomAD no frequency). This variant has not been reported in the literature in individuals affected with LAMB2-related conditions. For these reasons, this variant has been classified as Pathogenic.

Literature cited by the submitters: PubMed 15367484.